The following is an entry in ClinVar:

NM_017534.6(MYH2):c.979G>A (p.Asp327Asn)

Genes: MYH2 (myosin heavy chain 2; minus strand), MYHAS (myosin heavy chain gene cluster antisense RNA; plus strand). Cytogenetic location: 17p13.1.
Variant type: single nucleotide variant.
Coding change: c.979G>A on transcript NM_017534.6 (MANE Select); coding-DNA position 979, G replaced by A.
Protein change: p.Asp327Asn; replaces aspartic acid 327 with asparagine.
Molecular consequence: missense variant.
Genome position (GRCh38, 1-based): chr17:10,540,623, C>T on the plus strand (G>A on the coding strand, the complement: MYH2 is on the minus strand). VCF-style: chr17-10540623-C-T. GRCh37 (hg19) VCF-style: chr17-10443940-C-T.
Other names: c.979G>A, p.Asp327Asn (NM_001100112.2); short protein forms D327N.
Identifiers: ClinVar variation 577587 (VCV000577587.11), dbSNP rs200893594, ClinGen allele CA8391484.
Genomic context (GRCh38, chr17:10,540,623, plus strand): 5'-AATAATTCCAATTTTCTTGTGTTCTACTTACATCTGTGGCCATCAGTTCTTCCTGATCAT[C>T]GATGCTGGCCACACTGATCTCCCCTTGACTGACAAATGGGTAATCATATGGGTTCGTGGT-3'
Protein context (NP_060004.3, residues 317-337): SQGEISVASI[Asp327Asn]DQEELMATDS

ClinVar aggregate classification (germline): Uncertain significance. Review status: criteria provided, multiple submitters, no conflicts (2 of 4 stars). 3 submissions from 3 submitters: Uncertain significance (3). Last evaluated 2026-01-18.

Conditions:
Inborn genetic diseases. Identifiers: MedGen C0950123, MeSH D030342.
Myopathy, proximal, and ophthalmoplegia (CMYO6). Also called: INCLUSION BODY MYOPATHY 3, AUTOSOMAL DOMINANT; MYOPATHY WITH CONGENITAL JOINT CONTRACTURES, OPHTHALMOPLEGIA, AND RIMMED VACUOLES; CONGENITAL MYOPATHY 6 WITH OPHTHALMOPLEGIA. Identifiers: Orphanet 363677, Orphanet 79091, MedGen C1854106, MONDO:0011577, OMIM 605637.

Allele frequency attached by ClinVar (database versions not stated): gnomAD 0.00002 and 0.00004; ExAC 0.00003; gnomAD exomes 0.00003 and 0.00004; TOPMed 0.00004; 1000 Genomes Project 30x 0.00016; 1000 Genomes Project 0.00020.
gnomAD v4.1: 56 of 1,613,418 alleles (0.0035%); highest among the groups gnomAD compares: Non-Finnish European, 0.0043%; no homozygotes.

Submissions (3):

Labcorp Genetics (formerly Invitae), Labcorp
Classification: Uncertain significance for Myopathy, proximal, and ophthalmoplegia. Last evaluated: 2026-01-18. Review status: criteria provided, single submitter. Criteria: Invitae Variant Classification Sherloc (09022015). Collection method: clinical testing. Allele origin: germline.
Comment: This sequence change replaces aspartic acid, which is acidic and polar, with asparagine, which is neutral and polar, at codon 327 of the MYH2 protein (p.Asp327Asn). This variant is present in population databases (rs200893594, gnomAD 0.009%). This variant has not been reported in the literature in individuals affected with MYH2-related conditions. ClinVar contains an entry for this variant (Variation ID: 577587). Invitae Evidence Modeling of protein sequence and biophysical properties (such as structural, functional, and spatial information, amino acid conservation, physicochemical variation, residue mobility, and thermodynamic stability) indicates that this missense variant is not expected to disrupt MYH2 protein function with a negative predictive value of 80%. In summary, the available evidence is currently insufficient to determine the role of this variant in disease. Therefore, it has been classified as a Variant of Uncertain Significance.

Ambry Genetics
Classification: Uncertain significance for Inborn genetic diseases. Last evaluated: 2025-01-24. Review status: criteria provided, single submitter. Criteria: Ambry Variant Classification Scheme 2023. Collection method: clinical testing. Allele origin: germline.

Revvity Omics, Revvity
Classification: Uncertain significance for Myopathy, proximal, and ophthalmoplegia. Last evaluated: 2019-03-07. Review status: criteria provided, single submitter. Criteria: ACMG Guidelines, 2015. Collection method: clinical testing. Allele origin: germline.